The following is an entry in ClinVar:

ClinVar aggregate classification (germline): Pathogenic (1 of 4 stars; one submission).

Conditions:
Hereditary breast ovarian cancer syndrome. Also called: BRCA1- and BRCA2-Associated Hereditary Breast and Ovarian Cancer; Hereditary breast and ovarian cancer; Hereditary breast and ovarian cancer syndrome (HBOC); Hereditary breast and/or ovarian cancer syndrome; Hereditary breast and ovarian cancer syndrome; Breast and ovarian cancer. Identifiers: Orphanet 145, MedGen C0677776, MeSH D061325, MONDO:0003582. Disease mechanism: loss of function.

Submission:

Labcorp Genetics (formerly Invitae), Labcorp
Classification: Pathogenic for Hereditary breast ovarian cancer syndrome. Last evaluated: 2021-05-23. Review status: criteria provided, single submitter. Criteria: Invitae Variant Classification Sherloc (09022015). Collection method: clinical testing. Allele origin: germline.
Comment: This sequence change inserts a large fragment of DNA, likely a transposable element, in exon 11 of the BRCA2 gene (c.2491_2492ins?), causing a frameshift at codon 831 (p.Val831fs). The exact size and sequence of the insertion cannot be determined by the current assay. However, the insertion is expected to result in an absent or disrupted protein product. For these reasons, this variant has been classified as Pathogenic. Retrotransposon insertions including LINE1 (L1), Alu, and SVA (SINE-VNTR-Alu) have been reported to be disease-causing through disruption of either a coding region or splice site (PMID: 19763152, 20307669, 22406018) and loss-of-function variants in BRCA2 are known to be pathogenic (PMID: 20104584). Algorithms developed to predict the effect of sequence changes on RNA splicing suggest that this variant may create or strengthen a splice site, but this prediction has not been confirmed by published transcriptional studies. This variant has not been reported in the literature in individuals with BRCA2-related conditions. This variant is not present in population databases (ExAC no frequency).

Literature cited by the submitters: PubMed 19763152; PubMed 20307669; PubMed 22406018; PubMed 20104584.

NM_000059.4(BRCA2):c.2491_2492insGGCGGGTGGTGGTTGGCGCGGCTGCGCTGCGGCCCGGGGCAGTGCGGAGCCGGGACAGTCGCGGCGCTGACGCCCGCGGGCCCCAGCTNNNNNNNNNNAAAAAAAAAAAAAAAAAAAAGAAAATTATAAAAACG (p.Val831fs)

Gene: BRCA2 (BRCA2 DNA repair associated; plus strand). Cytogenetic location: 13q13.1.
Variant type: Insertion.
Coding change: c.2491_2492insGGCGGGTGGTGGTTGGCGCGGCTGCGCTGCGGCCCGGGGCAGTGCGGAGCCGGGACAGTCGCGGCGCTGACGCCCGCGGGCCCCAGCTNNNNNNNNNNAAAAAAAAAAAAAAAAAAAAGAAAATTATAAAAACG on transcript NM_000059.4 (MANE Select); coding-DNA positions 2491 to 2492, GGCGGGTGGTGGTTGGCGCGGCTGCGCTGCGGCCCGGGGCAGTGCGGAGCCGGGACAGTCGCGGCGCTGACGCCCGCGGGCCCCAGCTNNNNNNNNNNAAAAAAAAAAAAAAAAAAAAGAAAATTATAAAAACG inserted.
Protein change: p.Val831fs; shifts the reading frame from valine 831.
Molecular consequence: frameshift variant.
Genome position: GRCh38: chr13:32,336,846-32,336,847. GRCh37 (hg19): chr13:32,910,983-32,910,984.
Other names: short protein forms V831fs.
Identifiers: ClinVar variation 1447722 (VCV001447722.6), dbSNP rs2137486923.